The following is an entry in ClinVar:

ClinVar aggregate classification (germline): Uncertain significance (1 of 4 stars; one submission).

Allele frequency attached by ClinVar (database versions not stated): gnomAD exomes below 0.00001; TOPMed below 0.00001.
gnomAD v4.1: 4 of 1,614,046 alleles (0.00025%); highest among the groups gnomAD compares: Non-Finnish European, 0.00034%; no homozygotes.

Submission:

CeGaT Center for Human Genetics Tuebingen
Classification: Uncertain significance. Last evaluated: 2023-05-01. Review status: criteria provided, single submitter. Criteria: CeGaT Center For Human Genetics Tuebingen Variant Classification Criteria Version 2. Collection method: clinical testing. Allele origin: germline. Affected: yes. Observed: 1 variant allele.
Comment: ZNF462: PM2, PS2:Supporting

NM_021224.6(ZNF462):c.4651G>A (p.Asp1551Asn)

Gene: ZNF462 (zinc finger protein 462; plus strand). Cytogenetic location: 9q31.2.
Variant type: single nucleotide variant.
Coding change: c.4651G>A on transcript NM_021224.6 (MANE Select); coding-DNA position 4651, G replaced by A.
Protein change: p.Asp1551Asn; replaces aspartic acid 1551 with asparagine.
Molecular consequence: missense variant. On other transcripts: intron variant (1).
Genome position (GRCh38, 1-based): chr9:106,928,563, G>A. VCF-style: chr9-106928563-G-A. GRCh37 (hg19) VCF-style: chr9-109690844-G-A.
Other names: c.3252+1399G>A (NM_001347997.2); short protein forms D1551N.
Identifiers: ClinVar variation 2659382 (VCV002659382.24), dbSNP rs1257225212, ClinGen allele CA374409690.
Genomic context (GRCh38, chr9:106,928,563, plus strand): 5'-CTGACCCACTACCAGAAGCGACACCCGTCCATCAAGGTGACCGCTGAGGACTTTGTGCAC[G>A]ACGTAGAGCAGTCTGCTGACATATCCCAGAATGACGTGGAGGAGACGAGCAGGATCTTCA-3'
Protein context (NP_067047.4, residues 1541-1561): IKVTAEDFVH[Asp1551Asn]VEQSADISQN